The following is an entry in ClinVar:

ClinVar aggregate classification (germline): Conflicting classifications of pathogenicity. Review status: criteria provided, conflicting classifications (1 of 4 stars). 5 submissions from 5 submitters: Uncertain significance (4); Likely benign (1). Last evaluated 2024-01-18.

Conditions:
Cardiovascular phenotype. Identifiers: MedGen CN230736.
Alstrom syndrome (ALMS). Identifiers: Orphanet 64, MedGen C0268425, MONDO:0008763, OMIM 203800.

Allele frequency attached by ClinVar (database versions not stated): gnomAD exomes 0.00001 and 0.00002; ExAC 0.00002; gnomAD 0.00002.
gnomAD v4.1: 17 of 1,614,012 alleles (0.0011%); highest among the groups gnomAD compares: Middle Eastern, 0.033%; no homozygotes.

Submissions (5):

Blueprint Genetics
Classification: Uncertain significance. Last evaluated: 2024-01-18. Review status: criteria provided, single submitter. Criteria: ACMG Guidelines, 2015. Collection method: clinical testing. Allele origin: germline.

GeneDx
Classification: Uncertain significance. Last evaluated: 2023-12-29. Review status: criteria provided, single submitter. Criteria: GeneDx Variant Classification Process June 2021. Collection method: clinical testing. Allele origin: germline. Affected: yes.
Comment: Not observed at significant frequency in large population cohorts (gnomAD); In silico analysis supports that this missense variant does not alter protein structure/function; Has not been previously published as pathogenic or benign to our knowledge

Ambry Genetics
Classification: Likely benign for Cardiovascular phenotype. Last evaluated: 2023-11-14. Review status: criteria provided, single submitter. Criteria: Ambry Variant Classification Scheme 2023. Collection method: clinical testing. Allele origin: germline.

Labcorp Genetics (formerly Invitae), Labcorp
Classification: Uncertain significance for Alstrom syndrome. Last evaluated: 2022-08-16. Review status: criteria provided, single submitter. Criteria: Invitae Variant Classification Sherloc (09022015). Collection method: clinical testing. Allele origin: germline.
Comment: This sequence change replaces arginine, which is basic and polar, with tryptophan, which is neutral and slightly polar, at codon 4015 of the ALMS1 protein (p.Arg4015Trp). This variant is present in population databases (rs543346172, gnomAD 0.01%). This variant has not been reported in the literature in individuals affected with ALMS1-related conditions. ClinVar contains an entry for this variant (Variation ID: 1404322). Experimental studies and prediction algorithms are not available or were not evaluated, and the functional significance of this variant is currently unknown. In summary, the available evidence is currently insufficient to determine the role of this variant in disease. Therefore, it has been classified as a Variant of Uncertain Significance.

Fulgent Genetics
Classification: Uncertain significance for Alstrom syndrome. Last evaluated: 2021-08-31. Review status: criteria provided, single submitter. Criteria: ACMG Guidelines, 2015. Collection method: clinical testing. Allele origin: unknown.

NM_001378454.1(ALMS1):c.12040C>T (p.Arg4014Trp)

Genes: ALMS1 (ALMS1 centrosome and basal body associated protein; plus strand), LOC126806252 (BRD4-independent group 4 enhancer GRCh37_chr2:73828496-73829695; plus strand). Cytogenetic location: 2p13.1.
Variant type: single nucleotide variant.
Coding change: c.12040C>T on transcript NM_001378454.1 (MANE Select); coding-DNA position 12040, C replaced by T.
Protein change: p.Arg4014Trp; replaces arginine 4014 with tryptophan.
Molecular consequence: missense variant.
Genome position (GRCh38, 1-based): chr2:73,601,362, C>T. VCF-style: chr2-73601362-C-T. GRCh37 (hg19) VCF-style: chr2-73828489-C-T.
Other names: c.12043C>T, p.Arg4015Trp (NM_015120.4); short protein forms R4014W, R4015W.
Identifiers: ClinVar variation 1404322 (VCV001404322.8), dbSNP rs543346172, ClinGen allele CA1715409.